The following is an entry in ClinVar:

NM_007074.4(CORO1A):c.949C>T (p.Arg317Trp)

Gene: CORO1A (coronin 1A; plus strand). Cytogenetic location: 16p11.2.
Variant type: single nucleotide variant.
Coding change: c.949C>T on transcript NM_007074.4 (MANE Select); coding-DNA position 949, C replaced by T.
Protein change: p.Arg317Trp; replaces arginine 317 with tryptophan.
Molecular consequence: missense variant.
Genome position (GRCh38, 1-based): chr16:30,188,029, C>T. VCF-style: chr16-30188029-C-T. GRCh37 (hg19) VCF-style: chr16-30199350-C-T.
Other names: c.949C>T, p.Arg317Trp (NM_001193333.3); short protein forms R317W.
Identifiers: ClinVar variation 3771922 (VCV003771922.13).

ClinVar aggregate classification (germline): Likely pathogenic (1 of 4 stars; one submission).

Submission:

CeGaT Center for Human Genetics Tuebingen
Classification: Likely pathogenic. Last evaluated: 2025-02-01. Review status: criteria provided, single submitter. Criteria: CeGaT Center For Human Genetics Tuebingen Variant Classification Criteria Version 2. Collection method: clinical testing. Allele origin: germline. Affected: yes. Observed: 1 variant allele.
Comment: CORO1A: PM2, PM3, PM6, PP4